The following is an entry in ClinVar:

ClinVar aggregate classification (germline): Conflicting classifications of pathogenicity. Review status: criteria provided, conflicting classifications (1 of 4 stars). 5 submissions from 5 submitters: Uncertain significance (1); Benign (2). 2 of the submissions do not count toward it. Last evaluated 2026-02-01.

Conditions:
RBP3-related disorder. Also called: RBP3-related condition.
Retinitis pigmentosa 66 (RP66). Identifiers: Orphanet 791, MedGen C3715216, MONDO:0014093, OMIM 615233.
Retinitis pigmentosa (RP). Identifiers: Orphanet 791, MedGen C0035334, MeSH D012174, MONDO:0019200, OMIM 268000. Inheritance: Autosomal dominant, autosomal recessive and X linked inheritance.

Allele frequency attached by ClinVar (database versions not stated): 1000 Genomes Project 30x 0.00031; 1000 Genomes Project 0.00040; gnomAD 0.00147 and 0.00157; ExAC 0.00160; gnomAD exomes 0.00164 and 0.00183; ESP Exome Variant Server 0.00185; TOPMed 0.00202.
gnomAD v4.1: 2,669 of 1,612,940 alleles (0.17%); highest among the groups gnomAD compares: Admixed American, 0.45%; 8 homozygotes.

Submissions (5):

Labcorp Genetics (formerly Invitae), Labcorp
Classification: Benign. Last evaluated: 2026-02-01. Review status: criteria provided, single submitter. Criteria: Invitae Variant Classification Sherloc (09022015). Collection method: clinical testing. Allele origin: germline.

Illumina Laboratory Services, Illumina
Classification: Uncertain significance for Retinitis pigmentosa. Last evaluated: 2017-04-27. Review status: criteria provided, single submitter. Criteria: ICSL Variant Classification Criteria 13 December 2019. Collection method: clinical testing. Allele origin: germline.
Comment: This variant was observed as part of a predisposition screen in an ostensibly healthy population. A literature search was performed for the gene, cDNA change, and amino acid change (where applicable). Publications were found based on this search. However, the evidence from the literature, in combination with allele frequency data from public databases where available, was not sufficient to rule this variant in or out of causing disease. Therefore, this variant is classified as a variant of unknown significance.

Eurofins Ntd Llc (ga)
Classification: Benign. Last evaluated: 2015-03-05. Review status: criteria provided, single submitter. Criteria: EGL Classification Definitions 2015. Collection method: clinical testing. Allele origin: germline. Observed: 2 variant alleles, 2 heterozygotes.

PreventionGenetics, part of Exact Sciences
Classification: Likely benign for RBP3-related condition. Last evaluated: 2019-05-22. Review status: no assertion criteria provided. Collection method: clinical testing. Allele origin: germline. Not counted in ClinVar's aggregate classification.
Comment: This variant is classified as likely benign based on ACMG/AMP sequence variant interpretation guidelines (Richards et al. 2015 PMID: 25741868, with internal and published modifications).

ClinVar Staff, National Center for Biotechnology Information (NCBI)
Classification: Uncertain significance for Retinitis pigmentosa 66. Last evaluated: 2013-06-27. Review status: no assertion criteria provided. Collection method: literature only. Allele origin: germline. Affected: yes. Not counted in ClinVar's aggregate classification.

Literature cited by the submitters: PubMed 19074801 (cited by Illumina Laboratory Services, Illumina and ClinVar Staff, National Center for Biotechnology Information (NCBI)).

NM_002900.3(RBP3):c.2168C>T (p.Pro723Leu)

Gene: RBP3 (retinol binding protein 3; plus strand). Cytogenetic location: 10q11.22.
Variant type: single nucleotide variant.
Coding change: c.2168C>T on transcript NM_002900.3 (MANE Select); coding-DNA position 2168, C replaced by T.
Protein change: p.Pro723Leu; replaces proline 723 with leucine.
Molecular consequence: missense variant.
Genome position (GRCh38, 1-based): chr10:47,350,652, C>T. VCF-style: chr10-47350652-C-T. GRCh37 (hg19) VCF-style: chr10-48388710-G-A.
Other names: short protein forms P723L.
Identifiers: ClinVar variation 193243 (VCV000193243.21), dbSNP rs148247227, ClinGen allele CA200435.